The following is an entry in ClinVar:

ClinVar aggregate classification (germline): Uncertain significance (1 of 4 stars; one submission).

Submission:

GeneDx
Classification: Uncertain significance. Last evaluated: 2023-05-03. Review status: criteria provided, single submitter. Criteria: GeneDx Variant Classification Process June 2021. Collection method: clinical testing. Allele origin: germline. Affected: yes.
Comment: Not observed at significant frequency in large population cohorts (gnomAD); Canonical splice site variant in a gene or region of a gene for which loss of function is not a well-established mechanism of disease; Has not been previously published as pathogenic or benign to our knowledge; Variants in candidate genes are classified as variants of uncertain significance in accordance with ACMG guidelines (Richards et al., 2015)

NM_001370785.2(LRRC7):c.1135-2A>G

Gene: LRRC7 (leucine rich repeat containing 7; plus strand). Cytogenetic location: 1p31.1.
Variant type: single nucleotide variant.
Coding change: c.1135-2A>G on transcript NM_001370785.2 (MANE Select); the canonical splice acceptor site of the intron before coding-DNA position 1135, A replaced by G.
Molecular consequence: splice acceptor variant.
Genome position (GRCh38, 1-based): chr1:70,012,972, A>G. VCF-style: chr1-70012972-A-G. GRCh37 (hg19) VCF-style: chr1-70478655-A-G.
Other names: c.1135-2A>G (NM_001366838.3); c.1036-2A>G (NM_001366841.1, NM_001330635.3, NM_001366839.3); c.1138-2A>G (NM_001350216.3).
Identifiers: ClinVar variation 3343299 (VCV003343299.1).